The following is an entry in ClinVar:

NM_001144967.3(NEDD4L):c.937A>C (p.Arg313=)

Gene: NEDD4L (NEDD4 like E3 ubiquitin protein ligase; plus strand). Cytogenetic location: 18q21.31.
Variant type: single nucleotide variant.
Coding change: c.937A>C on transcript NM_001144967.3 (MANE Select); coding-DNA position 937, A replaced by C.
Protein change: p.Arg313=; no amino-acid change (arginine 313 retained).
Molecular consequence: synonymous variant.
Genome position (GRCh38, 1-based): chr18:58,330,861, A>C. VCF-style: chr18-58330861-A-C. GRCh37 (hg19) VCF-style: chr18-55998093-A-C.
Other names: c.574A>C, p.Arg192= (NM_001144964.1, NM_001144965.2, NM_001144966.3 and 2 more transcripts); c.913A>C, p.Arg305= (NM_001144968.2, NM_001144969.2); c.937A>C, p.Arg313= (NM_001243960.2, NM_015277.6).
Identifiers: ClinVar variation 698082 (VCV000698082.14), dbSNP rs140550335, ClinGen allele CA8975515.

ClinVar aggregate classification (germline): Benign/Likely benign. Review status: criteria provided, multiple submitters, no conflicts (2 of 4 stars). 3 submissions from 3 submitters: Benign (1); Likely benign (1). 1 of the submissions does not count toward it. Last evaluated 2026-01-15.

Conditions:
NEDD4L-related disorder. Also called: NEDD4L-related condition.

Allele frequency attached by ClinVar (database versions not stated): gnomAD 0.00026 and 0.00040; TOPMed 0.00055; ExAC 0.00057; gnomAD exomes 0.00066; 1000 Genomes Project 30x 0.00203; 1000 Genomes Project 0.00220.
gnomAD v4.1: 467 of 1,614,032 alleles (0.029%); highest among the groups gnomAD compares: East Asian, 0.99%; 2 homozygotes.

Submissions (3):

Labcorp Genetics (formerly Invitae), Labcorp
Classification: Benign. Last evaluated: 2026-01-15. Review status: criteria provided, single submitter. Criteria: Invitae Variant Classification Sherloc (09022015). Collection method: clinical testing. Allele origin: germline.

Blueprint Genetics
Classification: Likely benign. Last evaluated: 2024-09-17. Review status: criteria provided, single submitter. Criteria: ACMG Guidelines, 2015. Collection method: clinical testing. Allele origin: germline.

PreventionGenetics, part of Exact Sciences
Classification: Benign for NEDD4L-related condition. Last evaluated: 2019-08-30. Review status: no assertion criteria provided. Collection method: clinical testing. Allele origin: germline. Not counted in ClinVar's aggregate classification.
Comment: This variant is classified as benign based on ACMG/AMP sequence variant interpretation guidelines (Richards et al. 2015 PMID: 25741868, with internal and published modifications).